The following is an entry in ClinVar:

ClinVar aggregate classification (germline): Uncertain significance (1 of 4 stars; one submission).

Conditions:
Epilepsy, familial focal, with variable foci 3 (FFEVF3). Identifiers: MedGen C4310708, MONDO:0014925, OMIM 617118.

Submission:

Labcorp Genetics (formerly Invitae), Labcorp
Classification: Uncertain significance for Epilepsy, familial focal, with variable foci 3. Last evaluated: 2022-06-27. Review status: criteria provided, single submitter. Criteria: Invitae Variant Classification Sherloc (09022015). Collection method: clinical testing. Allele origin: germline.
Comment: This sequence change replaces alanine, which is neutral and non-polar, with valine, which is neutral and non-polar, at codon 181 of the NPRL3 protein (p.Ala181Val). This variant is present in population databases (no rsID available, gnomAD 0.01%). This variant has not been reported in the literature in individuals affected with NPRL3-related conditions. ClinVar contains an entry for this variant (Variation ID: 1005151). Experimental studies and prediction algorithms are not available or were not evaluated, and the functional significance of this variant is currently unknown. In summary, the available evidence is currently insufficient to determine the role of this variant in disease. Therefore, it has been classified as a Variant of Uncertain Significance.

NM_001077350.3(NPRL3):c.542C>T (p.Ala181Val)

Genes: HBA-LCR (alpha-globin locus control region; plus strand), NPRL3 (NPR3 like, GATOR1 complex subunit; minus strand). Cytogenetic location: 16p13.3.
Variant type: single nucleotide variant.
Coding change: c.542C>T on transcript NM_001077350.3 (MANE Select); coding-DNA position 542, C replaced by T.
Protein change: p.Ala181Val; replaces alanine 181 with valine.
Molecular consequence: missense variant.
Genome position (GRCh38, 1-based): chr16:112,627, G>A on the plus strand (C>T on the coding strand, the complement: NPRL3 is on the minus strand). VCF-style: chr16-112627-G-A. GRCh37 (hg19) VCF-style: chr16-162626-G-A.
Other names: c.5C>T, p.Ala2Val (NM_001039476.3); c.308C>T, p.Ala103Val (NM_001243247.2); c.467C>T, p.Ala156Val (NM_001243248.2, NM_001243249.2); short protein forms A103V, A156V, A181V, A2V.
Identifiers: ClinVar variation 1005151 (VCV001005151.8), dbSNP rs1452724103, ClinGen allele CA393993539.